The following is an entry in ClinVar:

ClinVar aggregate classification (germline): Uncertain significance (1 of 4 stars; one submission).

Allele frequency attached by ClinVar (database versions not stated): TOPMed below 0.00001; gnomAD exomes 0.00001 and 0.00002; ExAC 0.00002.
gnomAD v4.1: 9 of 1,613,936 alleles (0.00056%); highest among the groups gnomAD compares: Middle Eastern, 0.016%; no homozygotes.

Submission:

GeneDx
Classification: Uncertain significance. Last evaluated: 2020-01-18. Review status: criteria provided, single submitter. Criteria: GeneDx Variant Classification Process June 2021. Collection method: clinical testing. Allele origin: germline. Affected: yes.
Comment: In silico analysis supports that this missense variant has a deleterious effect on protein structure/function; Has not been previously published as pathogenic or benign to our knowledge

NM_001136035.4(TRMT1):c.797C>T (p.Ala266Val)

Gene: TRMT1 (tRNA methyltransferase 1; minus strand). Cytogenetic location: 19p13.13.
Variant type: single nucleotide variant.
Coding change: c.797C>T on transcript NM_001136035.4 (MANE Select); coding-DNA position 797, C replaced by T.
Protein change: p.Ala266Val; replaces alanine 266 with valine.
Molecular consequence: missense variant.
Genome position (GRCh38, 1-based): chr19:13,112,778, G>A on the plus strand (C>T on the coding strand, the complement: TRMT1 is on the minus strand). VCF-style: chr19-13112778-G-A. GRCh37 (hg19) VCF-style: chr19-13223592-G-A.
Other names: c.797C>T, p.Ala266Val (NM_001142554.3, NM_001351760.2, NM_017722.5); c.689C>T, p.Ala230Val (NM_001351761.2); c.14C>T, p.Ala5Val (NM_001351762.2); short protein forms A230V, A266V, A5V.
Identifiers: ClinVar variation 1311747 (VCV001311747.2), dbSNP rs755833006, ClinGen allele CA9237927.
Genomic context (GRCh38, chr19:13,112,778, plus strand): 5'-GCCCGGCTCTTGAGGGCCATGGCCCCGTACTTGCTGTAGCACGTCTCCCCGCTGTTCCCC[G>A]CCAACACCGCCATGTCTGTGCAGGTCACACACAGCAACCCTGCAGAGAGGGGCTGGGCAG-3'
Protein context (NP_001129507.1, residues 256-276): CVTCTDMAVL[Ala266Val]GNSGETCYSK